The following is an entry in ClinVar:

ClinVar aggregate classification (germline): Uncertain significance (1 of 4 stars; one submission).

Allele frequency attached by ClinVar (database versions not stated): gnomAD 0.00001; gnomAD exomes 0.00001; TOPMed 0.00001; ExAC 0.00003; 1000 Genomes Project 0.00020; 1000 Genomes Project 30x 0.00031.
gnomAD v4.1: 8 of 1,613,976 alleles (0.0005%); highest among the groups gnomAD compares: East Asian, 0.018%; no homozygotes.

Submission:

Labcorp Genetics (formerly Invitae), Labcorp
Classification: Uncertain significance. Last evaluated: 2026-01-06. Review status: criteria provided, single submitter. Criteria: Invitae Variant Classification Sherloc (09022015). Collection method: clinical testing. Allele origin: germline.
Comment: This sequence change replaces leucine, which is neutral and non-polar, with methionine, which is neutral and non-polar, at codon 436 of the SEMA4A protein (p.Leu436Met). This variant is present in population databases (rs201473272, gnomAD 0.01%). This variant has not been reported in the literature in individuals affected with SEMA4A-related conditions. ClinVar contains an entry for this variant (Variation ID: 1392929). Invitae Evidence Modeling of protein sequence and biophysical properties (such as structural, functional, and spatial information, amino acid conservation, physicochemical variation, residue mobility, and thermodynamic stability) indicates that this missense variant is not expected to disrupt SEMA4A protein function with a negative predictive value of 80%. In summary, the available evidence is currently insufficient to determine the role of this variant in disease. Therefore, it has been classified as a Variant of Uncertain Significance.

NM_022367.4(SEMA4A):c.1306C>A (p.Leu436Met)

Gene: SEMA4A (semaphorin 4A; plus strand). Cytogenetic location: 1q22.
Variant type: single nucleotide variant.
Coding change: c.1306C>A on transcript NM_022367.4 (MANE Select); coding-DNA position 1306, C replaced by A.
Protein change: p.Leu436Met; replaces leucine 436 with methionine.
Molecular consequence: missense variant.
Genome position (GRCh38, 1-based): chr1:156,172,997, C>A. VCF-style: chr1-156172997-C-A. GRCh37 (hg19) VCF-style: chr1-156142788-C-A.
Other names: c.1306C>A, p.Leu436Met (NM_001193300.2, NM_001193301.2, NM_001370567.1); c.910C>A, p.Leu304Met (NM_001193302.2); c.1009C>A, p.Leu337Met (NM_001370568.1); c.799C>A, p.Leu267Met (NM_001370569.1, NM_001370571.1); short protein forms L267M, L337M, L436M, L304M.
Identifiers: ClinVar variation 1392929 (VCV001392929.6), dbSNP rs201473272, ClinGen allele CA1155323.